The following is an entry in ClinVar:

NM_001077365.2(POMT1):c.986+49G>A

Gene: POMT1 (protein O-mannosyltransferase 1; plus strand). Cytogenetic location: 9q34.13.
Variant type: single nucleotide variant.
Coding change: c.986+49G>A on transcript NM_001077365.2 (MANE Select); 49 bases into the intron after coding-DNA position 986, G replaced by A.
Molecular consequence: intron variant.
Genome position (GRCh38, 1-based): chr9:131,511,516, G>A. VCF-style: chr9-131511516-G-A. GRCh37 (hg19) VCF-style: chr9-134386903-G-A.
Other names: c.890+49G>A (NM_001353198.2, NM_001353197.2); c.1052+49G>A (NM_001353193.2, NM_007171.4); c.986+49G>A (NM_001136113.2, NM_001374690.1); c.824+49G>A (NM_001353194.2, NM_001077366.2, NM_001374693.1); c.635+49G>A (NM_001374691.1, NM_001353195.2, NM_001374692.1 and 1 more transcripts); c.896+49G>A (NM_001353196.2); c.596+49G>A (NM_001374695.1); c.974+44G>A (NM_001374689.1); and 2 more.
Identifiers: ClinVar variation 260139 (VCV000260139.5), dbSNP rs10901066, ClinGen allele CA5293487.
Genomic context (GRCh38, chr9:131,511,516, plus strand): 5'-CTACCCCATGATGTAAGGTGATGGTTTTACTTTGAAGATAATTAAATGCTTTATTTGCTC[G>A]TAGATTTGCTTATCTTAGCAACTTTCCCTTTCTTTGAGGAAGTTTGTTTGCAGGACAGAA-3'

ClinVar aggregate classification (germline): Benign. Review status: criteria provided, multiple submitters, no conflicts (2 of 4 stars). 6 submissions from 4 submitters: Benign (6). Last evaluated 2021-10-25.

Conditions:
Muscular dystrophy-dystroglycanopathy (congenital with brain and eye anomalies), type A1 (MDDGA1). Also called: WALKER-WARBURG SYNDROME OR MUSCLE-EYE-BRAIN DISEASE, POMT1-RELATED; Hydrocephalus, agyria and retinal dysplasia; Hard +/- E syndrome; Warburg syndrome; Chemke syndrome; Pagon syndrome. Identifiers: Orphanet 588, Orphanet 899, MedGen C4284790, MONDO:0009364, OMIM 236670.
Muscular dystrophy-dystroglycanopathy (congenital with impaired intellectual development), type B, 1. Also called: Muscular dystrophy-dystroglycanopathy (congenital with intellectual disability), type B1; MUSCULAR DYSTROPHY, CONGENITAL, POMT1-RELATED. Identifiers: MedGen C5436962, MONDO:0013159, OMIM 613155.
Autosomal recessive limb-girdle muscular dystrophy type 2K. Also called: MUSCULAR DYSTROPHY-DYSTROGLYCANOPATHY (LIMB-GIRDLE), TYPE C, 1; MUSCULAR DYSTROPHY, LIMB-GIRDLE, TYPE 2K. Identifiers: Orphanet 86812, MedGen C1836373, MONDO:0012248, OMIM 609308.

Allele frequency attached by ClinVar (database versions not stated): 1000 Genomes Project 30x 0.86696; TOPMed 0.86896; 1000 Genomes Project 0.87081; ESP Exome Variant Server 0.88059; gnomAD 0.88278 and 0.88719; ExAC 0.92311; gnomAD exomes 0.92381 and 0.94599.
gnomAD v4.1: 1,512,923 of 1,609,874 alleles (94%); highest among the groups gnomAD compares: South Asian, 97%; 713,176 homozygotes.

Submissions (6):

Genome-Nilou Lab
Classification: Benign for Muscular dystrophy-dystroglycanopathy (congenital with brain and eye anomalies), type A1. Last evaluated: 2021-10-25. Review status: criteria provided, single submitter. Criteria: ACMG Guidelines, 2015. Collection method: clinical testing. Allele origin: germline. Affected: no.

Genome-Nilou Lab
Classification: Benign for Muscular dystrophy-dystroglycanopathy (congenital with impaired intellectual development), type B, 1. Last evaluated: 2021-10-25. Review status: criteria provided, single submitter. Criteria: ACMG Guidelines, 2015. Collection method: clinical testing. Allele origin: germline. Affected: no.

Genome-Nilou Lab
Classification: Benign for Autosomal recessive limb-girdle muscular dystrophy type 2K. Last evaluated: 2021-10-25. Review status: criteria provided, single submitter. Criteria: ACMG Guidelines, 2015. Collection method: clinical testing. Allele origin: germline. Affected: no.

GeneDx
Classification: Benign. Last evaluated: 2018-06-14. Review status: criteria provided, single submitter. Criteria: GeneDx Variant Classification (06012015). Collection method: clinical testing. Allele origin: germline. Affected: yes.
Comment: This variant is considered likely benign or benign based on one or more of the following criteria: it is a conservative change, it occurs at a poorly conserved position in the protein, it is predicted to be benign by multiple in silico algorithms, and/or has population frequency not consistent with disease.

Breakthrough Genomics
Classification: Benign. Review status: criteria provided, single submitter. Criteria: ACMG Guidelines, 2015. Collection method: not provided. Allele origin: germline. Inheritance: Autosomal recessive inheritance. Affected: yes.

PreventionGenetics, part of Exact Sciences
Classification: Benign. Review status: criteria provided, single submitter. Criteria: ACMG Guidelines, 2015. Collection method: clinical testing. Allele origin: germline.